The following is an entry in ClinVar:

NM_000414.4(HSD17B4):c.1452A>G (p.Ile484Met)

Gene: HSD17B4 (hydroxysteroid 17-beta dehydrogenase 4; plus strand). Cytogenetic location: 5q23.1.
Variant type: single nucleotide variant.
Coding change: c.1452A>G on transcript NM_000414.4 (MANE Select); coding-DNA position 1452, A replaced by G.
Protein change: p.Ile484Met; replaces isoleucine 484 with methionine.
Molecular consequence: missense variant.
Genome position (GRCh38, 1-based): chr5:119,514,995, A>G. VCF-style: chr5-119514995-A-G. GRCh37 (hg19) VCF-style: chr5-118850690-A-G.
Other names: c.1527A>G, p.Ile509Met (NM_001199291.3); c.1398A>G, p.Ile466Met (NM_001199292.2); c.1380A>G, p.Ile460Met (NM_001292027.2); c.1032A>G, p.Ile344Met (NM_001292028.2); c.1452A>G (NM_000414.3); short protein forms I484M, I509M, I344M, I466M, I460M.
Identifiers: ClinVar variation 228742 (VCV000228742.8), dbSNP rs376158204, ClinGen allele CA3382275.

ClinVar aggregate classification (germline): Uncertain significance. Review status: criteria provided, multiple submitters, no conflicts (2 of 4 stars). 4 submissions from 4 submitters: Uncertain significance (3). 1 of the submissions does not count toward it. Last evaluated 2025-08-08.

Conditions:
HSD17B4-related disorder. Also called: HSD17B4-related condition; HSD17B4-related disorders.
Inborn genetic diseases. Identifiers: MedGen C0950123, MeSH D030342.
Bifunctional peroxisomal enzyme deficiency (DBIF). Also called: D-bifunctional protein deficiency; DBP DEFICIENCY; PBFE DEFICIENCY. Identifiers: Orphanet 300, MedGen C0342870, MONDO:0009855, OMIM 261515. Disease mechanism: loss of function.

Allele frequency attached by ClinVar (database versions not stated): ExAC 0.00003; gnomAD 0.00004; TOPMed 0.00005; ESP Exome Variant Server 0.00015.
gnomAD v4.1: 22 of 1,566,200 alleles (0.0014%); highest among the groups gnomAD compares: African/African-American, 0.011%; no homozygotes.

Submissions (4):

PreventionGenetics, part of Exact Sciences
Classification: Uncertain significance for HSD17B4-related condition. Last evaluated: 2025-08-08. Review status: criteria provided, single submitter. Criteria: ACMG Guidelines, 2015. Collection method: clinical testing. Allele origin: germline.
Comment: The HSD17B4 c.1452A>G variant is predicted to result in the amino acid substitution p.Ile484Met. To our knowledge, this variant has not been reported in the literature. This variant is reported in 0.0040% of alleles in individuals of African descent in gnomAD. At this time, the clinical significance of this variant is uncertain due to the absence of conclusive functional and genetic evidence.

Ambry Genetics
Classification: Uncertain significance for Inborn genetic diseases. Last evaluated: 2025-01-22. Review status: criteria provided, single submitter. Criteria: Ambry Variant Classification Scheme 2023. Collection method: clinical testing. Allele origin: germline.

Laboratory for Molecular Medicine, Mass General Brigham Personalized Medicine
Classification: Uncertain significance. Last evaluated: 2015-08-11. Review status: criteria provided, single submitter. Criteria: LMM Criteria. Collection method: clinical testing. Allele origin: germline. Observed: 1 variant allele.
Comment: The p.Ile509Met variant in HSD17B4 has not been previously reported in individua ls with hearing loss or Perrault syndrome, but has been identified in 2/10376 of African chromosomes by the Exome Aggregation Consortium (ExAC; dbSNP rs376158204). Computational prediction tools and conservat ion analysis suggest that this variant may not impact the protein, though this i nformation is not predictive enough to rule out pathogenicity. In summary, the c linical significance of the p.Ile509Met variant is uncertain.

Natera, Inc.
Classification: Uncertain significance for Bifunctional peroxisomal enzyme deficiency. Last evaluated: 2019-10-28. Review status: no assertion criteria provided. Collection method: clinical testing. Allele origin: germline. Not counted in ClinVar's aggregate classification.